The following is an entry in ClinVar:

ClinVar aggregate classification (germline): Uncertain significance. Review status: criteria provided, multiple submitters, no conflicts (2 of 4 stars). 3 submissions from 3 submitters: Uncertain significance (3). Last evaluated 2025-07-11.

Conditions:
Inborn genetic diseases. Identifiers: MedGen C0950123, MeSH D030342.
Diffuse cerebral and cerebellar atrophy - intractable seizures - progressive microcephaly syndrome. Also called: Microcephaly, progressive, with seizures and cerebral and cerebellar atrophy. Identifiers: Orphanet 404437, MedGen C4014239, MONDO:0014335, OMIM 615760.

Allele frequency attached by ClinVar (database versions not stated): gnomAD 0.00001; TOPMed 0.00001; ExAC 0.00002; gnomAD exomes 0.00002.
gnomAD v4.1: 23 of 1,614,078 alleles (0.0014%); highest among the groups gnomAD compares: South Asian, 0.013%; 1 homozygote.

Submissions (3):

Ambry Genetics
Classification: Uncertain significance for Inborn genetic diseases. Last evaluated: 2025-07-11. Review status: criteria provided, single submitter. Criteria: Ambry Variant Classification Scheme 2023. Collection method: clinical testing. Allele origin: germline.

Mayo Clinic Laboratories, Mayo Clinic
Classification: Uncertain significance. Last evaluated: 2023-11-17. Review status: criteria provided, single submitter. Criteria: ACMG Guidelines, 2015. Collection method: clinical testing. Allele origin: germline. Observed: 1 variant allele.

Labcorp Genetics (formerly Invitae), Labcorp
Classification: Uncertain significance for Diffuse cerebral and cerebellar atrophy - intractable seizures - progressive microcephaly syndrome. Last evaluated: 2022-10-17. Review status: criteria provided, single submitter. Criteria: Invitae Variant Classification Sherloc (09022015). Collection method: clinical testing. Allele origin: germline.
Comment: This sequence change replaces arginine, which is basic and polar, with histidine, which is basic and polar, at codon 558 of the QARS protein (p.Arg558His). This variant is present in population databases (rs749254902, gnomAD 0.01%). This variant has not been reported in the literature in individuals affected with QARS-related conditions. Algorithms developed to predict the effect of missense changes on protein structure and function (SIFT, PolyPhen-2, Align-GVGD) all suggest that this variant is likely to be disruptive. In summary, the available evidence is currently insufficient to determine the role of this variant in disease. Therefore, it has been classified as a Variant of Uncertain Significance.

NM_005051.3(QARS1):c.1673G>A (p.Arg558His)

Gene: QARS1 (glutaminyl-tRNA synthetase 1; minus strand). Cytogenetic location: 3p21.31.
Variant type: single nucleotide variant.
Coding change: c.1673G>A on transcript NM_005051.3 (MANE Select); coding-DNA position 1673, G replaced by A.
Protein change: p.Arg558His; replaces arginine 558 with histidine.
Molecular consequence: missense variant. On other transcripts: non-coding transcript variant (1).
Genome position (GRCh38, 1-based): chr3:49,099,195, C>T on the plus strand (G>A on the coding strand, the complement: QARS1 is on the minus strand). VCF-style: chr3-49099195-C-T. GRCh37 (hg19) VCF-style: chr3-49136628-C-T.
Other names: p.Arg558His; c.1640G>A, p.Arg547His (NM_001272073.2); c.1673G>A (NM_005051.1); short protein forms R558H, R547H.
Identifiers: ClinVar variation 2137529 (VCV002137529.3), dbSNP rs749254902, ClinGen allele CA2391675.